The following is an entry in ClinVar:

NM_005535.3(IL12RB1):c.1912C>T (p.Pro638Ser)

Gene: IL12RB1 (interleukin 12 receptor subunit beta 1; minus strand). Cytogenetic location: 19p13.11.
Variant type: single nucleotide variant.
Coding change: c.1912C>T on transcript NM_005535.3 (MANE Select); coding-DNA position 1912, C replaced by T.
Protein change: p.Pro638Ser; replaces proline 638 with serine.
Molecular consequence: missense variant.
Genome position (GRCh38, 1-based): chr19:18,059,965, G>A on the plus strand (C>T on the coding strand, the complement: IL12RB1 is on the minus strand). VCF-style: chr19-18059965-G-A. GRCh37 (hg19) VCF-style: chr19-18170775-G-A.
Other names: c.1912C>T, p.Pro638Ser (NM_001290023.2); c.2032C>T, p.Pro678Ser (NM_001290024.2); short protein forms P678S, P638S.
Identifiers: ClinVar variation 946802 (VCV000946802.8), dbSNP rs1327805116, ClinGen allele CA404775059.
Genomic context (GRCh38, chr19:18,059,965, plus strand): 5'-ACCTGTCTCCATCCTCCAAGGACAACTCTGTATCCAGGGCCAGCTCAGGGGCACCCTCAG[G>A]TAGCTCTGTCTTCTCGAGAGGCTCAGTCCTCTCGCCTTTGTCCCAGGACATCTCTACCAC-3'
Protein context (NP_005526.1, residues 628-648): RTEPLEKTEL[Pro638Ser]EGAPELALDT

ClinVar aggregate classification (germline): Uncertain significance. Review status: criteria provided, multiple submitters, no conflicts (2 of 4 stars). 2 submissions from 2 submitters: Uncertain significance (2). Last evaluated 2024-04-22.

Conditions:
Inborn genetic diseases. Identifiers: MedGen C0950123, MeSH D030342.
Mendelian susceptibility to mycobacterial diseases due to complete IL12RB1 deficiency. Also called: IL12RB1 DEFICIENCY; Immunodeficiency 30. Identifiers: Orphanet 319552, MedGen C4013949, MONDO:0013955, OMIM 614891.

Allele frequency attached by ClinVar (database versions not stated): gnomAD exomes below 0.00001; TOPMed below 0.00001; gnomAD 0.00001.
gnomAD v4.1: 39 of 1,599,586 alleles (0.0024%); highest among the groups gnomAD compares: Non-Finnish European, 0.0033%; no homozygotes.

Submissions (2):

Ambry Genetics
Classification: Uncertain significance for Inborn genetic diseases. Last evaluated: 2024-04-22. Review status: criteria provided, single submitter. Criteria: Ambry Variant Classification Scheme 2023. Collection method: clinical testing. Allele origin: germline.

Labcorp Genetics (formerly Invitae), Labcorp
Classification: Uncertain significance for Mendelian susceptibility to mycobacterial diseases due to complete IL12RB1 deficiency. Last evaluated: 2022-07-24. Review status: criteria provided, single submitter. Criteria: Invitae Variant Classification Sherloc (09022015). Collection method: clinical testing. Allele origin: germline.
Comment: This sequence change replaces proline, which is neutral and non-polar, with serine, which is neutral and polar, at codon 638 of the IL12RB1 protein (p.Pro638Ser). The frequency data for this variant in the population databases is considered unreliable, as metrics indicate poor data quality at this position in the gnomAD database. This variant has not been reported in the literature in individuals affected with IL12RB1-related conditions. ClinVar contains an entry for this variant (Variation ID: 946802). Algorithms developed to predict the effect of missense changes on protein structure and function (SIFT, PolyPhen-2, Align-GVGD) all suggest that this variant is likely to be tolerated. In summary, the available evidence is currently insufficient to determine the role of this variant in disease. Therefore, it has been classified as a Variant of Uncertain Significance.